The following is an entry in ClinVar:

ClinVar aggregate classification (germline): Uncertain significance. Review status: criteria provided, multiple submitters, no conflicts (2 of 4 stars). 2 submissions from 2 submitters: Uncertain significance (2). Last evaluated 2022-03-17.

Conditions:
Charcot-Marie-Tooth disease axonal type 2O. Also called: Charcot-Marie-Tooth disease, axonal, type 20; CHARCOT-MARIE-TOOTH NEUROPATHY, AXONAL, TYPE 2O; CHARCOT-MARIE-TOOTH DISEASE, AXONAL, AUTOSOMAL DOMINANT, TYPE 2O; Charcot-Marie-Tooth Neuropathy Type 2O. Identifiers: Orphanet 284232, MedGen C3280220, MONDO:0013644, OMIM 614228.

Submissions (2):

Blueprint Genetics
Classification: Uncertain significance. Last evaluated: 2022-03-17. Review status: criteria provided, single submitter. Criteria: ACMG Guidelines, 2015. Collection method: clinical testing. Allele origin: germline.

Labcorp Genetics (formerly Invitae), Labcorp
Classification: Uncertain significance for Charcot-Marie-Tooth disease axonal type 2O. Last evaluated: 2022-01-21. Review status: criteria provided, single submitter. Criteria: Invitae Variant Classification Sherloc (09022015). Collection method: clinical testing. Allele origin: germline.
Comment: In summary, the available evidence is currently insufficient to determine the role of this variant in disease. Therefore, it has been classified as a Variant of Uncertain Significance. Advanced modeling of protein sequence and biophysical properties (such as structural, functional, and spatial information, amino acid conservation, physicochemical variation, residue mobility, and thermodynamic stability) performed at Invitae indicates that this missense variant is not expected to disrupt DYNC1H1 protein function. This variant has not been reported in the literature in individuals affected with DYNC1H1-related conditions. This variant is not present in population databases (gnomAD no frequency). This sequence change replaces histidine, which is basic and polar, with tyrosine, which is neutral and polar, at codon 4114 of the DYNC1H1 protein (p.His4114Tyr).

NM_001376.5(DYNC1H1):c.12340C>T (p.His4114Tyr)

Gene: DYNC1H1 (dynein cytoplasmic 1 heavy chain 1; plus strand). Cytogenetic location: 14q32.31.
Variant type: single nucleotide variant.
Coding change: c.12340C>T on transcript NM_001376.5 (MANE Select); coding-DNA position 12340, C replaced by T.
Protein change: p.His4114Tyr; replaces histidine 4114 with tyrosine.
Molecular consequence: missense variant.
Genome position (GRCh38, 1-based): chr14:102,042,448, C>T. VCF-style: chr14-102042448-C-T. GRCh37 (hg19) VCF-style: chr14-102508785-C-T.
Other names: short protein forms H4114Y.
Identifiers: ClinVar variation 2088684 (VCV002088684.5), dbSNP rs2503859044, ClinGen allele CA391040961.
Genomic context (GRCh38, chr14:102,042,448, plus strand): 5'-GTGATGCTGAAGAATGTGCATCTGGCCCCAGGGTGGCTGATGCAGCTGGAGAAGAAGTTG[C>T]ATTCCCTGCAGCCGCATGCCTGCTTCCGACTCTTCCTCACCATGGAGATCAACCCCAAGG-3'
Protein context (NP_001367.2, residues 4104-4124): GWLMQLEKKL[His4114Tyr]SLQPHACFRL